The following is an entry in ClinVar:

ClinVar aggregate classification (germline): Uncertain significance (1 of 4 stars; one submission).

Allele frequency attached by ClinVar (database versions not stated): gnomAD exomes 0.00001; ExAC 0.00001.

Submission:

GeneDx
Classification: Uncertain significance. Last evaluated: 2021-11-02. Review status: criteria provided, single submitter. Criteria: GeneDx Variant Classification Process June 2021. Collection method: clinical testing. Allele origin: germline. Affected: yes.
Comment: Reported in two siblings with developmental delay and multiple congenital anomalies and their father with mild intellectual impairment (Szczatuba et al., 2016); Not observed at a significant frequency in large population cohorts (Lek et al., 2016); Frameshift variant predicted to result in protein truncation as the last 37 amino acids are replaced with 9 different amino acids, although loss-of-function variants have not been reported downstream of this position in the protein; This variant is associated with the following publications: (PMID: 27375234, 29484850)

NM_001080517.3(SETD5):c.4106dup (p.Ser1370fs)

Gene: SETD5 (SET domain containing 5; plus strand). Cytogenetic location: 3p25.3.
Variant type: Duplication.
Coding change: c.4106dup on transcript NM_001080517.3 (MANE Select); coding-DNA position 4106, one base duplicated (T; older notation c.4106dupT).
Protein change: p.Ser1370fs; shifts the reading frame from serine 1370.
Molecular consequence: frameshift variant.
Genome position (GRCh38, 1-based): chr3:9,475,868, T duplicated. VCF-style (leftmost placement, unchanged base first): chr3-9475867-C-CT. GRCh37 (hg19) VCF-style: chr3-9517551-C-CT.
Other names: c.3812dup, p.Ser1272fs (NM_001292043.2, NM_001349451.2); short protein forms S1272fs, S1370fs.
Identifiers: ClinVar variation 1215492 (VCV001215492.5), dbSNP rs759232443, ClinGen allele CA2239867.